The following is an entry in ClinVar:

NM_005573.4(LMNB1):c.*284T>G

Gene: LMNB1 (lamin B1; plus strand). Cytogenetic location: 5q23.2.
Variant type: single nucleotide variant.
Coding change: c.*284T>G on transcript NM_005573.4 (MANE Select); 284 bases downstream of the stop codon, T replaced by G.
Molecular consequence: 3 prime UTR variant. On other transcripts: non-coding transcript variant (1).
Genome position (GRCh38, 1-based): chr5:126,836,548, T>G. VCF-style: chr5-126836548-T-G. GRCh37 (hg19) VCF-style: chr5-126172240-T-G.
Other names: c.*284T>G (NM_001198557.2).
Identifiers: ClinVar variation 905854 (VCV000905854.34), dbSNP rs550205958, ClinGen allele CA126939800.

ClinVar aggregate classification (germline): Conflicting classifications of pathogenicity. Review status: criteria provided, conflicting classifications (1 of 4 stars). 3 submissions from 3 submitters: Uncertain significance (2); Likely benign (1). Last evaluated 2023-02-01.

Conditions:
Adult-onset autosomal dominant demyelinating leukodystrophy. Identifiers: Orphanet 99027, MedGen C1868512, MONDO:0008215.

Allele frequency attached by ClinVar (database versions not stated): 1000 Genomes Project 30x 0.00016; TOPMed 0.00203; gnomAD 0.00285 and 0.00297; gnomAD exomes 0.00350.
gnomAD v4.1: 1,128 of 355,668 alleles (0.32%); highest among the groups gnomAD compares: Non-Finnish European, 0.47%; 3 homozygotes.

Submissions (3):

CeGaT Center for Human Genetics Tuebingen
Classification: Likely benign. Last evaluated: 2023-02-01. Review status: criteria provided, single submitter. Criteria: CeGaT Center For Human Genetics Tuebingen Variant Classification Criteria Version 2. Collection method: clinical testing. Allele origin: germline. Affected: yes. Observed: 6 variant alleles.
Comment: LMNB1: BS1

Illumina Laboratory Services, Illumina
Classification: Uncertain significance for Leukodystrophy, demyelinating, adult-onset, autosomal dominant, typical. Last evaluated: 2018-01-13. Review status: criteria provided, single submitter. Criteria: ICSL Variant Classification Criteria 13 December 2019. Collection method: clinical testing. Allele origin: germline.

Breakthrough Genomics
Classification: Uncertain significance. Review status: criteria provided, single submitter. Criteria: ACMG Guidelines, 2015. Collection method: not provided. Allele origin: germline. Inheritance: Autosomal dominant inheritance. Affected: yes.